The following is an entry in ClinVar:

NM_001127649.3(PEX26):c.353C>G (p.Pro118Arg)

Gene: PEX26 (peroxisomal biogenesis factor 26; plus strand). Cytogenetic location: 22q11.21.
Variant type: single nucleotide variant.
Coding change: c.353C>G on transcript NM_001127649.3 (MANE Select); coding-DNA position 353, C replaced by G.
Protein change: p.Pro118Arg; replaces proline 118 with arginine.
Molecular consequence: missense variant.
Genome position (GRCh38, 1-based): chr22:18,079,996, C>G. VCF-style: chr22-18079996-C-G. GRCh37 (hg19) VCF-style: chr22-18562762-C-G.
Other names: c.353C>G, p.Pro118Arg (NM_001199319.2, NM_017929.6); short protein forms P118R.
Identifiers: ClinVar variation 449363 (VCV000449363.16), dbSNP rs61752135, ClinGen allele CA321285522.

ClinVar aggregate classification (germline): Conflicting classifications of pathogenicity. Review status: criteria provided, conflicting classifications (1 of 4 stars). 7 submissions from 7 submitters: Likely pathogenic (5); Uncertain significance (2). Last evaluated 2025-11-10.

Conditions:
PEX26-related disorder. Also called: PEX26-related condition.
Peroxisome biogenesis disorder 7B (PBD7B). Identifiers: Orphanet 44, MedGen C3553951, MONDO:0013939, OMIM 614873.
Peroxisome biogenesis disorder 7A (Zellweger). Also called: Peroxisome biogenesis disorder 7A. Identifiers: Orphanet 912, MedGen C3888385, MONDO:0013938, OMIM 614872.

Allele frequency attached by ClinVar (database versions not stated): TOPMed 0.00001.

Submissions (7):

3billion
Classification: Likely pathogenic for Peroxisome biogenesis disorder 7B. Last evaluated: 2025-11-10. Review status: criteria provided, single submitter. Criteria: ACMG Guidelines, 2015. Collection method: clinical testing. Allele origin: germline. Affected: yes.
Comment: The variant is observed at an extremely low frequency in the gnomAD v4.1.0 dataset (total allele frequency: <0.001%). Predicted Consequence/Location: Missense variant. The majority of the known disease-causing variants of this gene are variants expected to result in premature termination of the protein. In silico tool predictions suggest damaging effect of the variant on gene or gene product [REVEL: 0.86 (>=0.6, sensitivity 0.68 and specificity 0.92)]. The same nucleotide change resulting in the same amino acid change has been previously reported as pathogenic/likely pathogenic with strong evidence (ClinVar ID: VCV000449363 /PMID: 15542397). Therefore, this variant is classified as Likely pathogenic according to the recommendation of ACMG/AMP guideline.

Women's Health and Genetics/Laboratory Corporation of America, LabCorp
Classification: Uncertain significance. Last evaluated: 2024-08-19. Review status: criteria provided, single submitter. Criteria: LabCorp Variant Classification Summary - May 2015. Collection method: clinical testing. Allele origin: germline.
Comment: Variant summary: PEX26 c.353C>G (p.Pro118Arg) results in a non-conservative amino acid change in the encoded protein sequence. Five of five in-silico tools predict a damaging effect of the variant on protein function. The variant allele was found at a frequency of 1.2e-05 in 251462 control chromosomes. c.353C>G has been reported in the literature in a homozygous and a compound heterozygous individuals affected with Zellweger Syndrome (Steinberg_2004, Brkl-Ycel_2020). These data indicate that the variant may be associated with disease. To our knowledge, no experimental evidence demonstrating an impact on protein function has been reported. The following publications have been ascertained in the context of this evaluation (PMID: 32140910, 15542397). ClinVar contains an entry for this variant (Variation ID: 449363). Based on the evidence outlined above, the variant was classified as VUS-possibly pathogenic.

GeneDx
Classification: Likely pathogenic. Last evaluated: 2024-06-22. Review status: criteria provided, single submitter. Criteria: GeneDx Variant Classification Process June 2021. Collection method: clinical testing. Allele origin: germline. Affected: yes.
Comment: Not observed at significant frequency in large population cohorts (gnomAD); Published functional studies suggest a damaging effect (PMID: 34804114); In silico analysis supports that this missense variant has a deleterious effect on protein structure/function; This variant is associated with the following publications: (PMID: 30446579, 19105186, 35805150, 34804114, 15542397, 38323187, 32140910)

Baylor Genetics
Classification: Likely pathogenic for Peroxisome biogenesis disorder 7A (Zellweger). Last evaluated: 2023-06-28. Review status: criteria provided, single submitter. Criteria: ACMG Guidelines, 2015. Collection method: clinical testing. Allele origin: unknown.

Labcorp Genetics (formerly Invitae), Labcorp
Classification: Uncertain significance for Peroxisome biogenesis disorder 7A (Zellweger); Peroxisome biogenesis disorder 7B. Last evaluated: 2022-07-19. Review status: criteria provided, single submitter. Criteria: Invitae Variant Classification Sherloc (09022015). Collection method: clinical testing. Allele origin: germline.
Comment: This sequence change replaces proline, which is neutral and non-polar, with arginine, which is basic and polar, at codon 118 of the PEX26 protein (p.Pro118Arg). This variant is present in population databases (rs61752135, gnomAD 0.009%). This missense change has been observed in individual(s) with clinical features of PEX26-related conditions (PMID: 15542397, 32140910). ClinVar contains an entry for this variant (Variation ID: 449363). Algorithms developed to predict the effect of missense changes on protein structure and function (SIFT, PolyPhen-2, Align-GVGD) all suggest that this variant is likely to be disruptive. In summary, the available evidence is currently insufficient to determine the role of this variant in disease. Therefore, it has been classified as a Variant of Uncertain Significance.

Blueprint Genetics
Classification: Likely pathogenic for PEX26-related disorders. Last evaluated: 2018-12-21. Review status: criteria provided, single submitter. Criteria: ACMG Guidelines, 2015. Collection method: clinical testing. Allele origin: germline. Affected: yes. Observed: 1 variant allele.

Juno Genomics, Hangzhou Juno Genomics, Inc
Classification: Likely pathogenic for Peroxisome biogenesis disorder 7A (Zellweger); Peroxisome biogenesis disorder 7B. Review status: criteria provided, single submitter. Criteria: ACMG Guidelines, 2015. Collection method: clinical testing. Allele origin: germline.
Comment: Absent from controls (or at extremely low frequency if recessive) in Genome Aggregation Database.;Multiple lines of computational evidence support a deleterious effect on the gene or gene product.;For recessive disorders, detected in trans with a pathogenic variant.;Patient's phenotype or family history is highly specific for a disease with a single genetic etiology.

Literature cited by the submitters: PubMed 15542397 (cited by 3 submitters); PubMed 32140910 (cited by Women's Health and Genetics/Laboratory Corporation of America, LabCorp and Labcorp Genetics (formerly Invitae), Labcorp).